The following is an entry in ClinVar:

ClinVar aggregate classification (germline): Uncertain significance. Review status: criteria provided, multiple submitters, no conflicts (2 of 4 stars). 2 submissions from 2 submitters: Uncertain significance (2). Last evaluated 2024-07-03.

Conditions:
Tuberous sclerosis syndrome (TSC). Also called: Tuberous Sclerosis Complex; Tuberous sclerosis. Identifiers: Orphanet 805, MedGen C0041341, MONDO:0001734.

Submissions (2):

GeneDx
Classification: Uncertain significance. Last evaluated: 2024-07-03. Review status: criteria provided, single submitter. Criteria: GeneDx Variant Classification Process June 2021. Collection method: clinical testing. Allele origin: germline. Affected: yes.
Comment: Not observed at significant frequency in large population cohorts (gnomAD); In silico analysis indicates that this missense variant does not alter protein structure/function; Has not been previously published as pathogenic or benign to our knowledge

All of Us Research Program, National Institutes of Health
Classification: Uncertain significance for Tuberous sclerosis syndrome. Last evaluated: 2023-11-20. Review status: criteria provided, single submitter. Criteria: ACMG Guidelines, 2015. Collection method: clinical testing. Allele origin: germline. Inheritance: Autosomal dominant inheritance. Observed: 1 variant allele, 1 heterozygote.
Comment: This missense variant replaces isoleucine with valine at codon 893 of the TSC2 protein. Computational prediction suggests that this variant may have deleterious impact on protein structure and function (internally defined REVEL score threshold >= 0.7, PMID: 27666373). To our knowledge, functional studies have not been reported for this variant. This variant has not been reported in individuals affected with TSC2-related disorders in the literature. This variant has not been identified in the general population by the Genome Aggregation Database (gnomAD). The available evidence is insufficient to determine the role of this variant in disease conclusively. Therefore, this variant is classified as a Variant of Uncertain Significance.

This study involves interpretation of variants in research participants for the purpose of population health screening. Participant phenotype was not available at the time of variant classification. Additional details can be found in publication PMID: 35346344, PMCID: PMC8962531

NM_000548.5(TSC2):c.2677A>G (p.Ile893Val)

Gene: TSC2 (TSC complex subunit 2; plus strand). Cytogenetic location: 16p13.3.
Variant type: single nucleotide variant.
Coding change: c.2677A>G on transcript NM_000548.5 (MANE Select); coding-DNA position 2677, A replaced by G.
Protein change: p.Ile893Val; replaces isoleucine 893 with valine.
Molecular consequence: missense variant. On other transcripts: non-coding transcript variant (5).
Genome position (GRCh38, 1-based): chr16:2,076,105, A>G. VCF-style: chr16-2076105-A-G. GRCh37 (hg19) VCF-style: chr16-2126106-A-G.
Other names: c.2077A>G, p.Ile693Val (NM_001318831.2, NM_001406682.1, NM_001406683.1 and 6 more transcripts); c.2710A>G, p.Ile904Val (NM_001318832.2); c.2677A>G, p.Ile893Val (NM_001363528.2, NM_001370404.1, NM_001370405.1 and 6 more transcripts); c.2767A>G, p.Ile923Val (NM_001406667.1, NM_001406668.1); c.2215A>G, p.Ile739Val (NM_001406681.1); c.1333A>G, p.Ile445Val (NM_001406689.1, NM_001406690.1, NM_001406691.1 and 6 more transcripts); c.2566A>G, p.Ile856Val (NM_001318827.2, NM_001406670.1, NM_001406678.1); c.2530A>G, p.Ile844Val (NM_001318829.2, NM_001406675.1, NM_001406676.1 and 1 more transcripts); and 3 more; short protein forms I359V, I445V, I693V, I739V, I844V, I856V, I874V, I889V.
Identifiers: ClinVar variation 3074464 (VCV003074464.2), dbSNP rs2151387209, ClinGen allele CA394279320.